The following is an entry in ClinVar:

ClinVar aggregate classification (germline): Likely benign. Review status: criteria provided, multiple submitters, no conflicts (2 of 4 stars). 2 submissions from 2 submitters: Likely benign (2). Last evaluated 2024-06-20.

Conditions:
Familial cancer of breast. Also called: BREAST CANCER, FAMILIAL; Hereditary breast cancer; hereditary breast carcinoma. Identifiers: Orphanet 227535, MedGen C0346153, MONDO:0016419, OMIM 114480. Disease mechanism: loss of function.
Ataxia-telangiectasia syndrome (AT). Also called: Ataxia-telangiectasia, complementation group D; AT, COMPLEMENTATION GROUP C; ATAXIA-TELANGIECTASIA, COMPLEMENTATION GROUP A; ATAXIA-TELANGIECTASIA, FRESNO VARIANT; Ataxia-telangiectasia, complementation group E; LOUIS-BAR SYNDROME. Identifiers: Orphanet 100, MedGen C0004135, MONDO:0008840, OMIM 208900.

Submissions (2):

Myriad Genetics, Inc.
Classification: Likely benign for Familial cancer of breast. Last evaluated: 2024-06-20. Review status: criteria provided, single submitter. Criteria: Myriad Autosomal Dominant, Autosomal Recessive and X-Linked Classification Criteria (2023). Collection method: clinical testing. Allele origin: unknown.
Comment: This variant is considered likely benign. This variant is intronic and is not expected to impact mRNA splicing.

Labcorp Genetics (formerly Invitae), Labcorp
Classification: Likely benign for Ataxia-telangiectasia syndrome. Last evaluated: 2022-07-30. Review status: criteria provided, single submitter. Criteria: Invitae Variant Classification Sherloc (09022015). Collection method: clinical testing. Allele origin: germline.

NM_000051.4(ATM):c.8585-11T>C

Genes: ATM (ATM serine/threonine kinase; plus strand), C11orf65 (chromosome 11 open reading frame 65; minus strand). Cytogenetic location: 11q22.3.
Variant type: single nucleotide variant.
Coding change: c.8585-11T>C on transcript NM_000051.4 (MANE Select); 11 bases into the intron before coding-DNA position 8585, T replaced by C.
Molecular consequence: intron variant.
Genome position (GRCh38, 1-based): chr11:108,347,268, T>C. VCF-style: chr11-108347268-T-C. GRCh37 (hg19) VCF-style: chr11-108217995-T-C.
Other names: c.8585-11T>C (NM_001351834.2); c.641-38197A>G (NM_001330368.2); c.695-11976A>G (NM_001351110.2).
Identifiers: ClinVar variation 2020447 (VCV002020447.5), dbSNP rs752428743, ClinGen allele CA2580083451.